The following is an entry in ClinVar:

NM_001035.3(RYR2):c.11908G>C (p.Glu3970Gln)

Gene: RYR2 (ryanodine receptor 2; plus strand). Cytogenetic location: 1q43.
Variant type: single nucleotide variant.
Coding change: c.11908G>C on transcript NM_001035.3 (MANE Select); coding-DNA position 11908, G replaced by C.
Protein change: p.Glu3970Gln; replaces glutamic acid 3970 with glutamine.
Molecular consequence: missense variant.
Genome position (GRCh38, 1-based): chr1:237,781,592, G>C. VCF-style: chr1-237781592-G-C. GRCh37 (hg19) VCF-style: chr1-237944892-G-C.
Other names: short protein forms E3970Q.
Identifiers: ClinVar variation 1318920 (VCV001318920.2), dbSNP rs2149344856, ClinGen allele CA345410085.

ClinVar aggregate classification (germline): Uncertain significance (1 of 4 stars; one submission).

Submission:

GeneDx
Classification: Uncertain significance. Last evaluated: 2021-04-13. Review status: criteria provided, single submitter. Criteria: GeneDx Variant Classification Process June 2021. Collection method: clinical testing. Allele origin: germline. Affected: yes.
Comment: Has not been previously published as pathogenic or benign to our knowledge; Not observed in large population cohorts (Lek et al., 2016); In silico analysis supports that this missense variant does not alter protein structure/function; Located in one of the three hot-spot regions of the RYR2 gene, where the majority of pathogenic missense variants occur (Medeiros-Domingo et al., 2009)